The following is an entry in ClinVar:

ClinVar aggregate classification (germline): Uncertain significance (1 of 4 stars; one submission).

Conditions:
Brugada syndrome 8 (BRGDA8). Identifiers: Orphanet 130, MedGen C2751083, MONDO:0013148, OMIM 613123.

Allele frequency attached by ClinVar (database versions not stated): gnomAD exomes below 0.00001.
gnomAD v4.1: 1 of 1,613,756 alleles (0.000062%); highest among the groups gnomAD compares: East Asian, 0.0022%; no homozygotes.

Submission:

Labcorp Genetics (formerly Invitae), Labcorp
Classification: Uncertain significance for Brugada syndrome 8. Last evaluated: 2023-06-17. Review status: criteria provided, single submitter. Criteria: Invitae Variant Classification Sherloc (09022015). Collection method: clinical testing. Allele origin: germline.
Comment: In summary, the available evidence is currently insufficient to determine the role of this variant in disease. Therefore, it has been classified as a Variant of Uncertain Significance. Advanced modeling of protein sequence and biophysical properties (such as structural, functional, and spatial information, amino acid conservation, physicochemical variation, residue mobility, and thermodynamic stability) performed at Invitae indicates that this missense variant is expected to disrupt HCN4 protein function. This variant has not been reported in the literature in individuals affected with HCN4-related conditions. This variant is not present in population databases (gnomAD no frequency). This sequence change replaces glutamic acid, which is acidic and polar, with lysine, which is basic and polar, at codon 704 of the HCN4 protein (p.Glu704Lys).

NM_005477.3(HCN4):c.2110G>A (p.Glu704Lys)

Gene: HCN4 (hyperpolarization activated cyclic nucleotide gated potassium channel 4; minus strand). Cytogenetic location: 15q24.1.
Variant type: single nucleotide variant.
Coding change: c.2110G>A on transcript NM_005477.3 (MANE Select); coding-DNA position 2110, G replaced by A.
Protein change: p.Glu704Lys; replaces glutamic acid 704 with lysine.
Molecular consequence: missense variant.
Genome position (GRCh38, 1-based): chr15:73,324,122, C>T on the plus strand (G>A on the coding strand, the complement: HCN4 is on the minus strand). VCF-style: chr15-73324122-C-T. GRCh37 (hg19) VCF-style: chr15-73616463-C-T.
Other names: short protein forms E704K.
Identifiers: ClinVar variation 2738091 (VCV002738091.3), dbSNP rs2549069430, ClinGen allele CA393089937.
Genomic context (GRCh38, chr15:73,324,122, plus strand): 5'-GCCCCGCCTGTGGCCCCTCCCCCTCACCAATGCGGTCCAGGCGGTCCAGCGCCACGGTCT[C>T]GAAGGCCCTTCGCATCATGGGGTACTCCTCCAGCACCTCATTGAAGTTGTCCACGCTCAG-3'
Protein context (NP_005468.1, residues 694-714): EEYPMMRRAF[Glu704Lys]TVALDRLDRI